The following is an entry in ClinVar:

ClinVar aggregate classification (germline): Uncertain significance (1 of 4 stars; one submission).

Submission:

Labcorp Genetics (formerly Invitae), Labcorp
Classification: Uncertain significance. Last evaluated: 2024-09-02. Review status: criteria provided, single submitter. Criteria: Invitae Variant Classification Sherloc (09022015). Collection method: clinical testing. Allele origin: germline.
Comment: This sequence change replaces asparagine, which is neutral and polar, with isoleucine, which is neutral and non-polar, at codon 280 of the TNNI3K protein (p.Asn280Ile). This variant is not present in population databases (gnomAD no frequency). This variant has not been reported in the literature in individuals affected with TNNI3K-related conditions. Invitae Evidence Modeling of protein sequence and biophysical properties (such as structural, functional, and spatial information, amino acid conservation, physicochemical variation, residue mobility, and thermodynamic stability) indicates that this missense variant is not expected to disrupt TNNI3K protein function with a negative predictive value of 80%. In summary, the available evidence is currently insufficient to determine the role of this variant in disease. Therefore, it has been classified as a Variant of Uncertain Significance.

NM_015978.3(TNNI3K):c.839A>T (p.Asn280Ile)

Genes: FPGT-TNNI3K (FPGT-TNNI3K readthrough; plus strand), TNNI3K (TNNI3 interacting kinase; plus strand). Cytogenetic location: 1p31.1.
Variant type: single nucleotide variant.
Coding change: c.839A>T on transcript NM_015978.3 (MANE Select); coding-DNA position 839, A replaced by T.
Protein change: p.Asn280Ile; replaces asparagine 280 with isoleucine.
Molecular consequence: missense variant.
Genome position (GRCh38, 1-based): chr1:74,343,086, A>T. VCF-style: chr1-74343086-A-T. GRCh37 (hg19) VCF-style: chr1-74808770-A-T.
Other names: c.1142A>T, p.Asn381Ile (NM_001112808.3, NM_001199327.2); short protein forms N381I, N280I.
Identifiers: ClinVar variation 3677668 (VCV003677668.2).
Genomic context (GRCh38, chr1:74,343,086, plus strand): 5'-CTGCATGTACTTGCTTACAATATTAACAAGATATTTTCTTCAAATCTAGGGCATGCTACA[A>T]TGGCAAATTTGAAGTTGCCAAGGAAATCATCCAAATATCAGGAACAGAAAGTCTGACTAA-3'
Protein context (NP_057062.1, residues 270-290): GDTPLHLACY[Asn280Ile]GKFEVAKEII